The following is an entry in ClinVar:

NM_020975.6(RET):c.1991C>T (p.Ala664Val)

Gene: RET (ret proto-oncogene; plus strand). Cytogenetic location: 10q11.21.
Variant type: single nucleotide variant.
Coding change: c.1991C>T on transcript NM_020975.6 (MANE Select); coding-DNA position 1991, C replaced by T.
Protein change: p.Ala664Val; replaces alanine 664 with valine.
Molecular consequence: missense variant.
Genome position (GRCh38, 1-based): chr10:43,114,591, C>T. VCF-style: chr10-43114591-C-T. GRCh37 (hg19) VCF-style: chr10-43610039-C-T.
Other names: c.1265C>T, p.Ala422Val (NM_001406777.1, NM_001406778.1, NM_001406775.1 and 1 more transcripts); c.1094C>T, p.Ala365Val (NM_001406779.1, NM_001406780.1, NM_001406781.1 and 1 more transcripts); c.965C>T, p.Ala322Val (NM_001406783.1, NM_001406786.1); c.1001C>T, p.Ala334Val (NM_001406784.1); c.974C>T, p.Ala325Val (NM_001406785.1); c.1991C>T, p.Ala664Val (NM_000323.2, NM_001406743.1, NM_001406744.1 and 4 more transcripts); c.1229C>T, p.Ala410Val (NM_001355216.2); c.1862C>T, p.Ala621Val (NM_001406761.1, NM_001406762.1, NM_001406764.1); and 7 more; short protein forms A664V, A410V, A422V, A532V, A568V, A229V, A325V, A334V.
Identifiers: ClinVar variation 1496887 (VCV001496887.10), dbSNP rs2132848989, ClinGen allele CA376553096.

ClinVar aggregate classification (germline): Uncertain significance. Review status: criteria provided, multiple submitters, no conflicts (2 of 4 stars). 2 submissions from 2 submitters: Uncertain significance (2). Last evaluated 2025-11-16.

Conditions:
Hereditary cancer-predisposing syndrome. Also called: Tumor predisposition; Hereditary neoplastic syndrome; Neoplastic Syndromes, Hereditary; Hereditary Cancer Syndrome. Identifiers: Orphanet 140162, MedGen C0027672, MeSH D009386, MONDO:0015356.
Multiple endocrine neoplasia, type 2 (MEN2). Identifiers: Orphanet 653, MedGen C4048306, MONDO:0019003. Disease mechanism: gain of function.

Submissions (2):

Ambry Genetics
Classification: Uncertain significance for Hereditary cancer-predisposing syndrome. Last evaluated: 2025-11-16. Review status: criteria provided, single submitter. Criteria: Ambry Variant Classification Scheme 2023. Collection method: clinical testing. Allele origin: germline.
Comment: The p.A664V variant (also known as c.1991C>T), located in coding exon 11 of the RET gene, results from a C to T substitution at nucleotide position 1991. The alanine at codon 664 is replaced by valine, an amino acid with similar properties. This amino acid position is conserved. In addition, the in silico prediction for this alteration is inconclusive. Based on the available evidence, the clinical significance of this variant remains unclear.

Labcorp Genetics (formerly Invitae), Labcorp
Classification: Uncertain significance for Multiple endocrine neoplasia, type 2. Last evaluated: 2025-03-04. Review status: criteria provided, single submitter. Criteria: Invitae Variant Classification Sherloc (09022015). Collection method: clinical testing. Allele origin: germline.
Comment: This sequence change replaces alanine, which is neutral and non-polar, with valine, which is neutral and non-polar, at codon 664 of the RET protein (p.Ala664Val). This variant is not present in population databases (gnomAD no frequency). This variant has not been reported in the literature in individuals affected with RET-related conditions. ClinVar contains an entry for this variant (Variation ID: 1496887). An algorithm developed to predict the effect of missense changes on protein structure and function (PolyPhen-2) suggests that this variant is likely to be tolerated. In summary, the available evidence is currently insufficient to determine the role of this variant in disease. Therefore, it has been classified as a Variant of Uncertain Significance.